The following is an entry in ClinVar:

NM_003072.5(SMARCA4):c.2162C>G (p.Ser721Cys)

Gene: SMARCA4 (SWI/SNF related BAF chromatin remodeling complex subunit ATPase 4; plus strand). Cytogenetic location: 19p13.2.
Variant type: single nucleotide variant.
Coding change: c.2162C>G on transcript NM_003072.5 (MANE Select); coding-DNA position 2162, C replaced by G.
Protein change: p.Ser721Cys; replaces serine 721 with cysteine.
Molecular consequence: missense variant. On other transcripts: non-coding transcript variant (1).
Genome position (GRCh38, 1-based): chr19:11,010,419, C>G. VCF-style: chr19-11010419-C-G. GRCh37 (hg19) VCF-style: chr19-11121095-C-G.
Other names: c.2162C>G, p.Ser721Cys (NM_001128849.3, NM_001374457.1, NM_001387283.1 and 6 more transcripts); short protein forms S721C.
Identifiers: ClinVar variation 3636863 (VCV003636863.2).

ClinVar aggregate classification (germline): Uncertain significance (1 of 4 stars; one submission).

Conditions:
Rhabdoid tumor predisposition syndrome 2 (RTPS2). Identifiers: Orphanet 231108, Orphanet 69077, MedGen C2750074, MONDO:0013224, OMIM 613325.

Submission:

Labcorp Genetics (formerly Invitae), Labcorp
Classification: Uncertain significance for Rhabdoid tumor predisposition syndrome 2. Last evaluated: 2024-11-07. Review status: criteria provided, single submitter. Criteria: Invitae Variant Classification Sherloc (09022015). Collection method: clinical testing. Allele origin: germline.
Comment: This sequence change replaces serine, which is neutral and polar, with cysteine, which is neutral and slightly polar, at codon 721 of the SMARCA4 protein (p.Ser721Cys). This variant is not present in population databases (gnomAD no frequency). This variant has not been reported in the literature in individuals affected with SMARCA4-related conditions. An algorithm developed to predict the effect of missense changes on protein structure and function (PolyPhen-2) suggests that this variant is likely to be disruptive. In summary, the available evidence is currently insufficient to determine the role of this variant in disease. Therefore, it has been classified as a Variant of Uncertain Significance.